The following is an entry in ClinVar:

ClinVar aggregate classification (germline): Pathogenic (1 of 4 stars; one submission).

Submission:

Labcorp Genetics (formerly Invitae), Labcorp
Classification: Pathogenic. Last evaluated: 2022-10-19. Review status: criteria provided, single submitter. Criteria: Invitae Variant Classification Sherloc (09022015). Collection method: clinical testing. Allele origin: germline.
Comment: This sequence change creates a premature translational stop signal (p.Ala391Glyfs*21) in the TOP3A gene. It is expected to result in an absent or disrupted protein product. Loss-of-function variants in TOP3A are known to be pathogenic (PMID: 30057030). This variant is not present in population databases (gnomAD no frequency). This variant has not been reported in the literature in individuals affected with TOP3A-related conditions. For these reasons, this variant has been classified as Pathogenic.

Literature cited by the submitters: PubMed 30057030.

NM_004618.5(TOP3A):c.1171dup (p.Ala391fs)

Gene: TOP3A (DNA topoisomerase III alpha; minus strand). Cytogenetic location: 17p11.2.
Variant type: Duplication.
Coding change: c.1171dup on transcript NM_004618.5 (MANE Select); coding-DNA position 1171, one base duplicated (G; older notation c.1171dupG).
Protein change: p.Ala391fs; shifts the reading frame from alanine 391.
Molecular consequence: frameshift variant.
Genome position (GRCh38, 1-based): chr17:18,292,755, C duplicated on the plus strand (G on the coding strand, the reverse complement: TOP3A is on the minus strand); the first of 6 consecutive C bases (chr17:18,292,755-18,292,760); duplicating any one gives the same sequence. VCF-style (leftmost placement, unchanged base first): chr17-18292754-G-GC. GRCh37 (hg19) VCF-style: chr17-18196068-G-GC.
Other names: c.886dup, p.Ala296fs (NM_001320759.2); short protein forms A296fs, A391fs.
Identifiers: ClinVar variation 2887680 (VCV002887680.3), dbSNP rs2545609940, ClinGen allele CA2576401184.